The following is an entry in ClinVar:

ClinVar aggregate classification (germline): Benign/Likely benign. Review status: criteria provided, multiple submitters, no conflicts (2 of 4 stars). 7 submissions from 7 submitters: Benign (1); Likely benign (5). 1 of the submissions does not count toward it. Last evaluated 2026-01-06.

Conditions:
Melnick-Needles syndrome (MNS). Also called: MELNICK-NEEDLES OSTEODYSPLASTY; Melnick-Needles Syndrome (FLNA-MNS); OSTEODYSPLASTY OF MELNICK AND NEEDLES. Identifiers: Orphanet 2484, MedGen C0025237, MONDO:0010650, OMIM 309350.
Heterotopia, periventricular, X-linked dominant (PVNH1). Also called: PERIVENTRICULAR NODULAR HETEROTOPIA 4; HETEROTOPIA, PERIVENTRICULAR, 1; X-linked periventricular heterotopia; PERIVENTRICULAR NODULAR HETEROTOPIA 1. Identifiers: Orphanet 2149, Orphanet 82004, MedGen C1848213, MONDO:0010233, OMIM 300049.
Oto-palato-digital syndrome, type II (OPD2). Also called: FACIOPALATOOSSEOUS SYNDROME; Otopalatodigital Syndrome, Type II; Otopalatodigital Syndrome Type 2 (FLNA-OPD2); OPD II SYNDROME. Identifiers: Orphanet 669, Orphanet 90652, MedGen C1844696, MONDO:0010571, OMIM 304120.
Frontometaphyseal dysplasia (FMD1). Identifiers: Orphanet 1826, MedGen C0265293, MONDO:0015942.
FLNA-related disorder.
Familial thoracic aortic aneurysm and aortic dissection (TAAD). Also called: Thoracic aortic aneurysms and dissections. Identifiers: Orphanet 91387, MedGen C4707243, MONDO:0019625.

Allele frequency attached by ClinVar (database versions not stated): gnomAD below 0.00001 and 0.00013; TOPMed 0.00004; gnomAD exomes 0.00017 and 0.00034; ExAC 0.00039; 1000 Genomes Project 30x 0.00250; 1000 Genomes Project 0.00291.
gnomAD v4.1: 203 of 1,210,867 alleles (0.017%); highest among the groups gnomAD compares: South Asian, 0.34%; 3 homozygotes.

Submissions (7):

Labcorp Genetics (formerly Invitae), Labcorp
Classification: Benign for Oto-palato-digital syndrome, type II; Heterotopia, periventricular, X-linked dominant; Frontometaphyseal dysplasia; Melnick-Needles syndrome. Last evaluated: 2026-01-06. Review status: criteria provided, single submitter. Criteria: Invitae Variant Classification Sherloc (09022015). Collection method: clinical testing. Allele origin: germline.

Blueprint Genetics
Classification: Likely benign. Last evaluated: 2024-10-09. Review status: criteria provided, single submitter. Criteria: ACMG Guidelines, 2015. Collection method: clinical testing. Allele origin: germline.

CeGaT Center for Human Genetics Tuebingen
Classification: Likely benign. Last evaluated: 2023-05-01. Review status: criteria provided, single submitter. Criteria: CeGaT Center For Human Genetics Tuebingen Variant Classification Criteria Version 2. Collection method: clinical testing. Allele origin: germline. Affected: yes. Observed: 1 variant allele.
Comment: FLNA: BP4, BS2

Ambry Genetics
Classification: Likely benign for Familial thoracic aortic aneurysm and aortic dissection. Last evaluated: 2016-02-12. Review status: criteria provided, single submitter. Criteria: Ambry Variant Classification Scheme 2023. Collection method: clinical testing. Allele origin: germline.

Eurofins Ntd Llc (ga)
Classification: Likely benign. Last evaluated: 2015-10-14. Review status: criteria provided, single submitter. Criteria: EGL Classification Definitions 2015. Collection method: clinical testing. Allele origin: germline. Observed: 1 variant allele, 1 heterozygote.

Genetic Services Laboratory, University of Chicago
Classification: Likely benign. Last evaluated: 2015-05-13. Review status: criteria provided, single submitter. Criteria: ACMG Guidelines, 2015. Collection method: clinical testing. Allele origin: germline.

PreventionGenetics, part of Exact Sciences
Classification: Likely benign for FLNA-related condition. Last evaluated: 2021-07-19. Review status: no assertion criteria provided. Collection method: clinical testing. Allele origin: germline. Not counted in ClinVar's aggregate classification.
Comment: This variant is classified as likely benign based on ACMG/AMP sequence variant interpretation guidelines (Richards et al. 2015 PMID: 25741868, with internal and published modifications).

NM_001110556.2(FLNA):c.5592C>T (p.Asn1864=)

Gene: FLNA (filamin A; minus strand). Cytogenetic location: Xq28.
Variant type: single nucleotide variant.
Coding change: c.5592C>T on transcript NM_001110556.2 (MANE Select); coding-DNA position 5592, C replaced by T.
Protein change: p.Asn1864=; no amino-acid change (asparagine 1864 retained).
Molecular consequence: synonymous variant.
Genome position (GRCh38, 1-based): chrX:154,354,009, G>A on the plus strand (C>T on the coding strand, the complement: FLNA is on the minus strand). VCF-style: chrX-154354009-G-A. GRCh37 (hg19) VCF-style: chrX-153582377-G-A.
Other names: c.5568C>T, p.Asn1856= (NM_001456.4); c.5592C>T (NM_001110556.1).
Identifiers: ClinVar variation 211019 (VCV000211019.47), dbSNP rs782315233, ClinGen allele CA207824.